The following is an entry in ClinVar:

ClinVar aggregate classification (germline): Uncertain significance (1 of 4 stars; one submission).

Conditions:
Arrhythmogenic right ventricular dysplasia 10. Also called: Arrhythmogenic Right Ventricular Dysplasia/Cardiomyopathy10; Arrhythmogenic right ventricular dysplasia/cardiomyopathy, type 10; ARRHYTHMOGENIC RIGHT VENTRICULAR DYSPLASIA, FAMILIAL, 10. Identifiers: MedGen C1857777, MONDO:0012434, OMIM 610193.

Submission:

Labcorp Genetics (formerly Invitae), Labcorp
Classification: Uncertain significance for Arrhythmogenic right ventricular dysplasia 10. Last evaluated: 2022-07-13. Review status: criteria provided, single submitter. Criteria: Invitae Variant Classification Sherloc (09022015). Collection method: clinical testing. Allele origin: germline.
Comment: This variant has not been reported in the literature in individuals affected with DSG2-related conditions. This variant is not present in population databases (gnomAD no frequency). This sequence change replaces alanine, which is neutral and non-polar, with threonine, which is neutral and polar, at codon 517 of the DSG2 protein (p.Ala517Thr). Algorithms developed to predict the effect of missense changes on protein structure and function (SIFT, PolyPhen-2, Align-GVGD) all suggest that this variant is likely to be disruptive. In summary, the available evidence is currently insufficient to determine the role of this variant in disease. Therefore, it has been classified as a Variant of Uncertain Significance.

NM_001943.5(DSG2):c.1549G>A (p.Ala517Thr)

Gene: DSG2 (desmoglein 2; plus strand). Cytogenetic location: 18q12.1.
Variant type: single nucleotide variant.
Coding change: c.1549G>A on transcript NM_001943.5 (MANE Select); coding-DNA position 1549, G replaced by A.
Protein change: p.Ala517Thr; replaces alanine 517 with threonine.
Molecular consequence: missense variant.
Genome position (GRCh38, 1-based): chr18:31,536,327, G>A. VCF-style: chr18-31536327-G-A. GRCh37 (hg19) VCF-style: chr18-29116290-G-A.
Other names: short protein forms A517T.
Identifiers: ClinVar variation 2016546 (VCV002016546.4), dbSNP rs1299327345, ClinGen allele CA402141753.